The following is an entry in ClinVar:

ClinVar aggregate classification (germline): Uncertain significance. Review status: criteria provided, multiple submitters, no conflicts (2 of 4 stars). 2 submissions from 2 submitters: Uncertain significance (2). Last evaluated 2024-06-19.

Allele frequency attached by ClinVar (database versions not stated): ExAC 0.00004; gnomAD 0.00004 and 0.00005; gnomAD exomes 0.00005; TOPMed 0.00006.

Submissions (2):

Labcorp Genetics (formerly Invitae), Labcorp
Classification: Uncertain significance. Last evaluated: 2024-06-19. Review status: criteria provided, single submitter. Criteria: Invitae Variant Classification Sherloc (09022015). Collection method: clinical testing. Allele origin: germline.
Comment: This sequence change replaces alanine, which is neutral and non-polar, with valine, which is neutral and non-polar, at codon 1553 of the ANK1 protein (p.Ala1553Val). This variant is present in population databases (rs774117685, gnomAD 0.02%). This variant has not been reported in the literature in individuals affected with ANK1-related conditions. ClinVar contains an entry for this variant (Variation ID: 1441587). Algorithms developed to predict the effect of missense changes on protein structure and function output the following: SIFT: "Not Available"; PolyPhen-2: "Benign"; Align-GVGD: "Not Available". The valine amino acid residue is found in multiple mammalian species, which suggests that this missense change does not adversely affect protein function. In summary, the available evidence is currently insufficient to determine the role of this variant in disease. Therefore, it has been classified as a Variant of Uncertain Significance.

Mayo Clinic Laboratories, Mayo Clinic
Classification: Uncertain significance. Last evaluated: 2022-10-07. Review status: criteria provided, single submitter. Criteria: ACMG Guidelines, 2015. Collection method: clinical testing. Allele origin: germline. Observed: 1 variant allele.
Comment: BP4, PM2

NM_000037.4(ANK1):c.4658C>T (p.Ala1553Val)

Gene: ANK1 (ankyrin 1; minus strand). Cytogenetic location: 8p11.21.
Variant type: single nucleotide variant.
Coding change: c.4658C>T on transcript NM_000037.4 (MANE Select); coding-DNA position 4658, C replaced by T.
Protein change: p.Ala1553Val; replaces alanine 1553 with valine.
Molecular consequence: missense variant. On other transcripts: intron variant (1).
Genome position (GRCh38, 1-based): chr8:41,672,792, G>A on the plus strand (C>T on the coding strand, the complement: ANK1 is on the minus strand). VCF-style: chr8-41672792-G-A. GRCh37 (hg19) VCF-style: chr8-41530310-G-A.
Other names: p.Ala1553Val; c.4781C>T, p.Ala1594Val (NM_001142446.2); c.4658C>T, p.Ala1553Val (NM_020475.3, NM_020476.3); c.4538-366C>T (NM_020477.3); c.4658C>T (NM_000037.3); short protein forms A1553V, A1594V.
Identifiers: ClinVar variation 1441587 (VCV001441587.7), dbSNP rs774117685, ClinGen allele CA4727467.